The following is an entry in ClinVar:

ClinVar aggregate classification (germline): Uncertain significance (1 of 4 stars; one submission).

Allele frequency attached by ClinVar (database versions not stated): gnomAD exomes below 0.00001; ExAC 0.00001.
gnomAD v4.1: 1 of 1,614,240 alleles (0.000062%); highest among the groups gnomAD compares: Non-Finnish European, 0.000085%; no homozygotes.

Submission:

Labcorp Genetics (formerly Invitae), Labcorp
Classification: Uncertain significance. Last evaluated: 2023-02-27. Review status: criteria provided, single submitter. Criteria: Invitae Variant Classification Sherloc (09022015). Collection method: clinical testing. Allele origin: germline.
Comment: In summary, the available evidence is currently insufficient to determine the role of this variant in disease. Therefore, it has been classified as a Variant of Uncertain Significance. Algorithms developed to predict the effect of missense changes on protein structure and function output the following: SIFT: "Not Available"; PolyPhen-2: "Benign"; Align-GVGD: "Not Available". The phenylalanine amino acid residue is found in multiple mammalian species, which suggests that this missense change does not adversely affect protein function. This sequence change replaces leucine, which is neutral and non-polar, with phenylalanine, which is neutral and non-polar, at codon 74 of the KIF20A protein (p.Leu74Phe). This variant is present in population databases (rs766950655, gnomAD 0.0009%). This variant has not been reported in the literature in individuals affected with KIF20A-related conditions. ClinVar contains an entry for this variant (Variation ID: 2024479).

NM_005733.3(KIF20A):c.222G>C (p.Leu74Phe)

Gene: KIF20A (kinesin family member 20A; plus strand). Cytogenetic location: 5q31.2.
Variant type: single nucleotide variant.
Coding change: c.222G>C on transcript NM_005733.3 (MANE Select); coding-DNA position 222, G replaced by C.
Protein change: p.Leu74Phe; replaces leucine 74 with phenylalanine.
Molecular consequence: missense variant.
Genome position (GRCh38, 1-based): chr5:138,181,478, G>C. VCF-style: chr5-138181478-G-C. GRCh37 (hg19) VCF-style: chr5-137517167-G-C.
Other names: short protein forms L74F.
Identifiers: ClinVar variation 2024479 (VCV002024479.4), dbSNP rs766950655, ClinGen allele CA3426243.